The following is an entry in ClinVar:

NM_015512.5(DNAH1):c.7430G>A (p.Arg2477Gln)

Gene: DNAH1 (dynein axonemal heavy chain 1; plus strand). Cytogenetic location: 3p21.1.
Variant type: single nucleotide variant.
Coding change: c.7430G>A on transcript NM_015512.5 (MANE Select); coding-DNA position 7430, G replaced by A.
Protein change: p.Arg2477Gln; replaces arginine 2477 with glutamine.
Molecular consequence: missense variant.
Genome position (GRCh38, 1-based): chr3:52,379,957, G>A. VCF-style: chr3-52379957-G-A. GRCh37 (hg19) VCF-style: chr3-52413973-G-A.
Other names: short protein forms R2477Q.
Identifiers: ClinVar variation 946856 (VCV000946856.6), dbSNP rs200350050, ClinGen allele CA2434887.

ClinVar aggregate classification (germline): Uncertain significance. Review status: criteria provided, multiple submitters, no conflicts (2 of 4 stars). 2 submissions from 2 submitters: Uncertain significance (2). Last evaluated 2025-05-20.

Conditions:
Spermatogenic failure 18. Identifiers: MedGen C4539783, MONDO:0054615, OMIM 617576.
Ciliary dyskinesia, primary, 37 (CILD37). Also called: CILIARY DYSKINESIA, PRIMARY, 37, WITH OR WITHOUT SITUS INVERSUS. Identifiers: MedGen C4539798, MONDO:0033204, OMIM 617577.

Allele frequency attached by ClinVar (database versions not stated): TOPMed 0.00001; 1000 Genomes Project 30x 0.00031; gnomAD exomes 0.00006 and 0.00004; 1000 Genomes Project 0.00040; gnomAD 0.00002 and below 0.00001; ExAC 0.00020.
gnomAD v4.1: 65 of 1,581,938 alleles (0.0041%); highest among the groups gnomAD compares: South Asian, 0.028%; no homozygotes.

Submissions (2):

ARUP Laboratories, Molecular Genetics and Genomics, ARUP Laboratories
Classification: Uncertain significance. Last evaluated: 2025-05-20. Review status: criteria provided, single submitter. Criteria: ARUP Molecular Germline Variant Investigation Process 2024. Collection method: clinical testing. Allele origin: germline.
Comment: The DNAH1 c.7430G>A; p.Arg2477Gln variant (rs200350050), to our knowledge, is not reported in the medical literature but is reported in ClinVar (Variation ID: 946856). This variant is found in the general population with an overall allele frequency of 0.006% (11/198,438 alleles) in the Genome Aggregation Database (v2.1.1). Computational analyses (Alamut Visual Plus v.1.12) predict that this variant may impact splicing by creating a novel cryptic acceptor splice site. However, given the lack of clinical and functional data, the significance of this variant is uncertain at this time.

Labcorp Genetics (formerly Invitae), Labcorp
Classification: Uncertain significance for Ciliary dyskinesia, primary, 37; Spermatogenic failure 18. Last evaluated: 2023-08-30. Review status: criteria provided, single submitter. Criteria: Invitae Variant Classification Sherloc (09022015). Collection method: clinical testing. Allele origin: germline.
Comment: This sequence change replaces arginine, which is basic and polar, with glutamine, which is neutral and polar, at codon 2477 of the DNAH1 protein (p.Arg2477Gln). This variant is present in population databases (rs200350050, gnomAD 0.03%). This variant has not been reported in the literature in individuals affected with DNAH1-related conditions. ClinVar contains an entry for this variant (Variation ID: 946856). Advanced modeling of protein sequence and biophysical properties (such as structural, functional, and spatial information, amino acid conservation, physicochemical variation, residue mobility, and thermodynamic stability) performed at Invitae indicates that this missense variant is not expected to disrupt DNAH1 protein function. Algorithms developed to predict the effect of sequence changes on RNA splicing suggest that this variant may create or strengthen a splice site. In summary, the available evidence is currently insufficient to determine the role of this variant in disease. Therefore, it has been classified as a Variant of Uncertain Significance.